The following is an entry in ClinVar:

ClinVar aggregate classification (germline): Uncertain significance (1 of 4 stars; one submission).

Allele frequency attached by ClinVar (database versions not stated): gnomAD exomes below 0.00001 and 0.00001; TOPMed below 0.00001; gnomAD 0.00001.

Submission:

Labcorp Genetics (formerly Invitae), Labcorp
Classification: Uncertain significance. Last evaluated: 2021-12-03. Review status: criteria provided, single submitter. Criteria: Invitae Variant Classification Sherloc (09022015). Collection method: clinical testing. Allele origin: germline.
Comment: This sequence change replaces valine, which is neutral and non-polar, with methionine, which is neutral and non-polar, at codon 599 of the EIF2B5 protein (p.Val599Met). This variant is present in population databases (no rsID available, gnomAD 0.007%). This variant has not been reported in the literature in individuals affected with EIF2B5-related conditions. Advanced modeling of protein sequence and biophysical properties (such as structural, functional, and spatial information, amino acid conservation, physicochemical variation, residue mobility, and thermodynamic stability) performed at Invitae indicates that this missense variant is expected to disrupt EIF2B5 protein function. In summary, the available evidence is currently insufficient to determine the role of this variant in disease. Therefore, it has been classified as a Variant of Uncertain Significance.

NM_003907.3(EIF2B5):c.1795G>A (p.Val599Met)

Gene: EIF2B5 (eukaryotic translation initiation factor 2B subunit epsilon; plus strand). Cytogenetic location: 3q27.1.
Variant type: single nucleotide variant.
Coding change: c.1795G>A on transcript NM_003907.3 (MANE Select); coding-DNA position 1795, G replaced by A.
Protein change: p.Val599Met; replaces valine 599 with methionine.
Molecular consequence: missense variant.
Genome position (GRCh38, 1-based): chr3:184,143,491, G>A. VCF-style: chr3-184143491-G-A. GRCh37 (hg19) VCF-style: chr3-183861279-G-A.
Other names: short protein forms V599M.
Identifiers: ClinVar variation 1389614 (VCV001389614.5), dbSNP rs1248680116, ClinGen allele CA355393287.